The following is an entry in ClinVar:

NM_020366.4(RPGRIP1):c.2652G>C (p.Ser884=)

Gene: RPGRIP1 (RPGR interacting protein 1; plus strand). Cytogenetic location: 14q11.2.
Variant type: single nucleotide variant.
Coding change: c.2652G>C on transcript NM_020366.4 (MANE Select); coding-DNA position 2652, G replaced by C.
Protein change: p.Ser884=; no amino-acid change (serine 884 retained).
Molecular consequence: synonymous variant. On other transcripts: intron variant (4).
Genome position (GRCh38, 1-based): chr14:21,326,115, G>C. VCF-style: chr14-21326115-G-C. GRCh37 (hg19) VCF-style: chr14-21794274-G-C.
Other names: c.1578G>C, p.Ser526= (NM_001377948.1); c.796+1390G>C (NM_001377949.1); c.689-1508G>C (NM_001377523.1, NM_001377950.1); c.191-1508G>C (NM_001377951.1).
Identifiers: ClinVar variation 783109 (VCV000783109.9), dbSNP rs754062559, ClinGen allele CA484996145.

ClinVar aggregate classification (germline): Likely benign. Review status: criteria provided, multiple submitters, no conflicts (2 of 4 stars). 2 submissions from 2 submitters: Likely benign (2). Last evaluated 2026-02-18.

Conditions:
RPGRIP1-related disorder. Also called: RPGRIP1-related condition.
Leber congenital amaurosis 6 (LCA6). Identifiers: Orphanet 65, MedGen C1854260, MONDO:0013446, OMIM 613826.
Cone-rod dystrophy 13 (CORD13). Identifiers: Orphanet 1872, MedGen C2750720, MONDO:0011987, OMIM 608194.

gnomAD v4.1: 3 of 1,605,458 alleles (0.00019%); highest among the groups gnomAD compares: African/African-American, 0.004%; no homozygotes.

Submissions (2):

PreventionGenetics, part of Exact Sciences
Classification: Likely benign for RPGRIP1-related condition. Last evaluated: 2026-02-18. Review status: criteria provided, single submitter. Criteria: ACMG Guidelines, 2015. Collection method: clinical testing. Allele origin: germline.
Comment: This variant is classified as likely benign based on ACMG/AMP sequence variant interpretation guidelines (Richards et al. 2015 PMID: 25741868, with internal and published modifications).

Labcorp Genetics (formerly Invitae), Labcorp
Classification: Likely benign for Leber congenital amaurosis 6; Cone-rod dystrophy 13. Last evaluated: 2024-02-16. Review status: criteria provided, single submitter. Criteria: Invitae Variant Classification Sherloc (09022015). Collection method: clinical testing. Allele origin: germline.